The following is an entry in ClinVar:

NM_001256715.2(DNAAF3):c.790-14C>T

Genes: DNAAF3 (dynein axonemal assembly factor 3; minus strand), DNAAF3-AS1 (DNAAF3 antisense RNA 1; plus strand). Cytogenetic location: 19q13.42.
Variant type: single nucleotide variant.
Coding change: c.790-14C>T on transcript NM_001256715.2 (MANE Select); 14 bases into the intron before coding-DNA position 790, C replaced by T.
Molecular consequence: intron variant.
Genome position (GRCh38, 1-based): chr19:55,161,201, G>A on the plus strand (C>T on the coding strand, the complement: DNAAF3 is on the minus strand). VCF-style: chr19-55161201-G-A. GRCh37 (hg19) VCF-style: chr19-55672569-G-A.
Other names: c.994-14C>T (NM_001256714.1); c.931-14C>T (NM_178837.4); c.628-14C>T (NM_001256716.2).
Identifiers: ClinVar variation 257695 (VCV000257695.22), dbSNP rs7260371, ClinGen allele CA9668047.

ClinVar aggregate classification (germline): Benign/Likely benign. Review status: criteria provided, multiple submitters, no conflicts (2 of 4 stars). 8 submissions from 8 submitters: Benign (5); Likely benign (2). 1 of the submissions does not count toward it. Last evaluated 2026-02-03.

Conditions:
Primary ciliary dyskinesia. Also called: Ciliary dyskinesia. Identifiers: Orphanet 244, MedGen C0008780, MONDO:0016575, HP:0012265.
Primary ciliary dyskinesia 2. Also called: CILIARY DYSKINESIA, PRIMARY, 2, WITH OR WITHOUT SITUS INVERSUS. Identifiers: Orphanet 244, MedGen C1847554, MONDO:0011718, OMIM 606763.

Allele frequency attached by ClinVar (database versions not stated): ESP Exome Variant Server 0.24572; gnomAD 0.24759 and 0.23966; gnomAD exomes 0.15816; 1000 Genomes Project 0.22724; 1000 Genomes Project 30x 0.23470; TOPMed 0.25788; ExAC 0.27667.
gnomAD v4.1: 256,775 of 1,580,790 alleles (16%); highest among the groups gnomAD compares: African/African-American, 49%; 25,997 homozygotes.

Submissions (8):

Labcorp Genetics (formerly Invitae), Labcorp
Classification: Benign for Primary ciliary dyskinesia. Last evaluated: 2026-02-03. Review status: criteria provided, single submitter. Criteria: Invitae Variant Classification Sherloc (09022015). Collection method: clinical testing. Allele origin: germline.

Blueprint Genetics
Classification: Likely benign. Last evaluated: 2024-11-28. Review status: criteria provided, single submitter. Criteria: ACMG Guidelines, 2015. Collection method: clinical testing. Allele origin: germline.

GeneDx
Classification: Benign. Last evaluated: 2018-07-09. Review status: criteria provided, single submitter. Criteria: GeneDx Variant Classification Process June 2021. Collection method: clinical testing. Allele origin: germline. Affected: yes.

Laboratory for Molecular Medicine, Mass General Brigham Personalized Medicine
Classification: Benign. Last evaluated: 2016-03-28. Review status: criteria provided, single submitter. Criteria: LMM Criteria. Collection method: clinical testing. Allele origin: germline.
Comment: Variant identified in a genome or exome case(s) and assessed due to predicted null impact of the variant or pathogenic assertions in the literature or databases. Disclaimer: This variant has not undergone full assessment. The following are preliminary notes: Frequency

Clinical Genetics DNA and cytogenetics Diagnostics Lab, Erasmus MC, Erasmus Medical Center
Classification: Benign for Primary ciliary dyskinesia 2. Last evaluated: 2015-09-21. Review status: criteria provided, single submitter. Criteria: ACGS Guidelines, 2013. Collection method: clinical testing. Allele origin: germline. Affected: yes. Study: VKGL Data-share Consensus.

Breakthrough Genomics
Classification: Likely benign. Review status: criteria provided, single submitter. Criteria: ACMG Guidelines, 2015. Collection method: not provided. Allele origin: germline. Inheritance: Autosomal recessive inheritance. Affected: yes.

PreventionGenetics, part of Exact Sciences
Classification: Benign. Review status: criteria provided, single submitter. Criteria: ACMG Guidelines, 2015. Collection method: clinical testing. Allele origin: germline.

Diagnostic Laboratory, Department of Genetics, University Medical Center Groningen
Classification: Benign for Primary ciliary dyskinesia 2. Review status: no assertion criteria provided. Collection method: clinical testing. Allele origin: germline. Affected: yes. Study: VKGL Data-share Consensus. Not counted in ClinVar's aggregate classification.